The following is an entry in ClinVar:

ClinVar aggregate classification (germline): Uncertain significance. Review status: criteria provided, multiple submitters, no conflicts (2 of 4 stars). 4 submissions from 4 submitters: Uncertain significance (3). 1 of the submissions does not count toward it. Last evaluated 2024-09-22.

Conditions:
Familial adenomatous polyposis 1 (FAP1). Also called: FAMILIAL ADENOMATOUS POLYPOSIS 1, ATTENUATED; POLYPOSIS, ADENOMATOUS INTESTINAL. Identifiers: MedGen C2713442, MONDO:0021056, OMIM 175100. Disease mechanism: loss of function.
Hereditary cancer-predisposing syndrome. Also called: Tumor predisposition; Hereditary Cancer Syndrome; Hereditary neoplastic syndrome; Neoplastic Syndromes, Hereditary. Identifiers: Orphanet 140162, MedGen C0027672, MeSH D009386, MONDO:0015356.

Submissions (4):

Genomic Medicine Center of Excellence, King Faisal Specialist Hospital and Research Centre
Classification: Uncertain significance for Familial adenomatous polyposis 1. Last evaluated: 2024-09-22. Review status: criteria provided, single submitter. Criteria: ACMG Guidelines, 2015. Collection method: clinical testing. Allele origin: germline.

Labcorp Genetics (formerly Invitae), Labcorp
Classification: Uncertain significance for Familial adenomatous polyposis 1. Last evaluated: 2023-11-07. Review status: criteria provided, single submitter. Criteria: Invitae Variant Classification Sherloc (09022015). Collection method: clinical testing. Allele origin: germline.
Comment: This sequence change falls in intron 4 of the APC gene. It does not directly change the encoded amino acid sequence of the APC protein. RNA analysis indicates that this variant induces altered splicing and may result in an absent or disrupted protein product. This variant is not present in population databases (gnomAD no frequency). This variant has been observed in individual(s) with APC-related conditions (PMID: 25676610). ClinVar contains an entry for this variant (Variation ID: 411534). Variants that disrupt the consensus splice site are a relatively common cause of aberrant splicing (PMID: 17576681, 9536098). Studies have shown that this variant results in skipping of exon 5 and introduces a premature termination codon (PMID: 25676610). The resulting mRNA is expected to undergo nonsense-mediated decay. In summary, the available evidence is currently insufficient to determine the role of this variant in disease. Therefore, it has been classified as a Variant of Uncertain Significance.

Ambry Genetics
Classification: Uncertain significance for Hereditary cancer-predisposing syndrome. Last evaluated: 2023-03-23. Review status: criteria provided, single submitter. Criteria: Ambry Variant Classification Scheme 2023. Collection method: clinical testing. Allele origin: germline.
Comment: The c.423-4_423-2delATA intronic variant, located in intron 3 of the APC gene, results from a deletion of 3 nucleotides within intron 3 of the APC gene. This alteration has been reported in the literature in a family affected with Cenani-Lenz syndrome (Patel N et al. J Med Genet, 2015 May;52:317-21; Maddirevula S et al. Genet Med, 2018 Dec;20:1609-1616). Although these nucleotides are located near a canonical splice site, the canonical splice acceptor "ag" sequence is preserved. In silico splice site analysis predicts that this alteration will not have any significant effect on splicing. RNA studies have demonstrated that this alteration results in an incomplete splice defect; the clinical impact of this abnormal splicing is unknown at this time (Ambry internal data; Patel N et al. J Med Genet, 2015 May;52:317-21; Maddirevula S et al. Genome Biol, 2020 Jun;21:145). Since supporting evidence is limited at this time, the clinical significance of this alteration remains unclear.

OMIM
Classification: Uncertain significance for VARIANT OF UNKNOWN SIGNIFICANCE. Last evaluated: 2015-05-01. Review status: no assertion criteria provided. Collection method: literature only. Allele origin: germline. Not counted in ClinVar's aggregate classification.

Literature cited by the submitters: PubMed 25676610 (cited by 3 submitters); PubMed 17576681 (cited by Labcorp Genetics (formerly Invitae), Labcorp); PubMed 9536098 (cited by Labcorp Genetics (formerly Invitae), Labcorp); PubMed 29620724 (cited by Ambry Genetics); PubMed 32552793 (cited by Ambry Genetics).

NM_000038.6(APC):c.423-4_423-2del

Gene: APC (APC regulator of Wnt signaling pathway; plus strand). Cytogenetic location: 5q22.2.
Variant type: Deletion.
Coding change: c.423-4_423-2del on transcript NM_000038.6 (MANE Select); 4 bases into the intron before coding-DNA position 423 through the canonical splice acceptor site of the intron before coding-DNA position 423, 3 bases deleted (ATA; older notation c.423-4_423-2delATA).
Molecular consequence: splice acceptor variant.
Genome position (GRCh38, 1-based): chr5:112,775,625-112,775,627, ATA deleted; deleting any 3 consecutive bases within chr5:112,775,624-112,775,627 gives the same sequence; the c. name uses the placement nearest the transcript's 3' end. VCF-style (leftmost placement, unchanged base first): chr5-112775623-AAAT-A. GRCh37 (hg19) VCF-style: chr5-112111320-AAAT-A.
Other names: c.423-4_423-2del (NM_001354895.2, NM_001127510.3, NM_001354896.2 and 3 more transcripts); c.453-4_453-2del (NM_001354897.2, NM_001354902.2, NM_001127511.3); c.348-4_348-2del (NM_001354898.2, NM_001354904.2); c.-613-4_-613-2del (NM_001354906.2); c.246-4_246-2del (NM_001354900.2, NM_001354901.2, NM_001354905.2).
Identifiers: ClinVar variation 411534 (VCV000411534.11), dbSNP rs876657408, ClinGen allele CA10575731.